The following is an entry in ClinVar:

NM_001283009.2(RTEL1):c.3877C>G (p.Gln1293Glu)

Genes: RTEL1 (regulator of telomere elongation helicase 1; plus strand), RTEL1-TNFRSF6B (RTEL1-TNFRSF6B readthrough (NMD candidate); plus strand). Cytogenetic location: 20q13.33.
Variant type: single nucleotide variant.
Coding change: c.3877C>G on transcript NM_001283009.2 (MANE Select); coding-DNA position 3877, C replaced by G.
Protein change: p.Gln1293Glu; replaces glutamine 1293 with glutamic acid.
Molecular consequence: missense variant. On other transcripts: non-coding transcript variant (1), 3 prime UTR variant (3).
Genome position (GRCh38, 1-based): chr20:63,695,832, C>G. VCF-style: chr20-63695832-C-G. GRCh37 (hg19) VCF-style: chr20-62327185-C-G.
Other names: c.*47C>G (NM_001283010.1, NM_016434.4, NM_032957.5); short protein forms Q1293E.
Identifiers: ClinVar variation 2923801 (VCV002923801.3), dbSNP rs2517207187, ClinGen allele CA409710522.

ClinVar aggregate classification (germline): Uncertain significance (1 of 4 stars; one submission).

Conditions:
Dyskeratosis congenita, autosomal recessive 5 (DKCB5). Identifiers: MedGen C3554656, MONDO:0014076, OMIM 615190.
Pulmonary fibrosis and/or bone marrow failure, Telomere-related, 3. Also called: PULMONARY FIBROSIS AND/OR BONE MARROW FAILURE SYNDROME, TELOMERE-RELATED, 3. Identifiers: Orphanet 2032, MedGen C4225346, MONDO:0014613, OMIM 616373.

Submission:

Labcorp Genetics (formerly Invitae), Labcorp
Classification: Uncertain significance for Dyskeratosis congenita, autosomal recessive 5; Pulmonary fibrosis and/or bone marrow failure, Telomere-related, 3. Last evaluated: 2024-01-04. Review status: criteria provided, single submitter. Criteria: Invitae Variant Classification Sherloc (09022015). Collection method: clinical testing. Allele origin: germline.
Comment: This sequence change replaces glutamine, which is neutral and polar, with glutamic acid, which is acidic and polar, at codon 1293 of the RTEL1 protein (p.Gln1293Glu). This variant is not present in population databases (gnomAD no frequency). This variant has not been reported in the literature in individuals affected with RTEL1-related conditions. An algorithm developed to predict the effect of missense changes on protein structure and function (PolyPhen-2) suggests that this variant is likely to be disruptive. In summary, the available evidence is currently insufficient to determine the role of this variant in disease. Therefore, it has been classified as a Variant of Uncertain Significance.